The following is an entry in ClinVar:

ClinVar aggregate classification (germline): Likely benign. Review status: criteria provided, multiple submitters, no conflicts (2 of 4 stars). 2 submissions from 2 submitters: Likely benign (2). Last evaluated 2025-01-19.

Conditions:
Fanconi anemia complementation group J. Also called: BRIP1-Related Fanconi Anemia. Identifiers: Orphanet 84, MedGen C1836860, MONDO:0012187, OMIM 609054.
Familial cancer of breast. Also called: hereditary breast carcinoma; BREAST CANCER, FAMILIAL; Hereditary breast cancer. Identifiers: Orphanet 227535, MedGen C0346153, MONDO:0016419, OMIM 114480. Disease mechanism: loss of function.

Submissions (2):

Labcorp Genetics (formerly Invitae), Labcorp
Classification: Likely benign for Familial cancer of breast; Fanconi anemia complementation group J. Last evaluated: 2025-01-19. Review status: criteria provided, single submitter. Criteria: Invitae Variant Classification Sherloc (09022015). Collection method: clinical testing. Allele origin: germline.

Myriad Genetics, Inc.
Classification: Likely benign for Familial cancer of breast. Last evaluated: 2024-09-03. Review status: criteria provided, single submitter. Criteria: Myriad Autosomal Dominant, Autosomal Recessive and X-Linked Classification Criteria (2023). Collection method: clinical testing. Allele origin: unknown.
Comment: This variant is considered likely benign. This variant is intronic and is not expected to impact mRNA splicing.

NM_032043.3(BRIP1):c.2097+9A>G

Gene: BRIP1 (BRCA1 interacting DNA helicase 1; minus strand). Cytogenetic location: 17q23.2.
Variant type: single nucleotide variant.
Coding change: c.2097+9A>G on transcript NM_032043.3 (MANE Select); 9 bases into the intron after coding-DNA position 2097, A replaced by G.
Molecular consequence: intron variant.
Genome position (GRCh38, 1-based): chr17:61,776,392, T>C on the plus strand (A>G on the coding strand, the complement: BRIP1 is on the minus strand). VCF-style: chr17-61776392-T-C. GRCh37 (hg19) VCF-style: chr17-59853753-T-C.
Identifiers: ClinVar variation 3378487 (VCV003378487.3).
Genomic context (GRCh38, chr17:61,776,392, plus strand): 5'-ATTAGCATGCCAATGTTTAAAATGTAAATGATTATTTAAAGGCAAAAGAAACAATAAATA[T>C]TCCCTTACCTTGTAAGATGGCAAGAAACACAAAATTCCTTGGCTCACAGTCTGGCACACA-3'